The following is an entry in ClinVar:

ClinVar aggregate classification (germline): Conflicting classifications of pathogenicity. Review status: criteria provided, conflicting classifications (1 of 4 stars). 2 submissions from 2 submitters: Uncertain significance (1); Likely benign (1). Last evaluated 2025-11-24.

Conditions:
Autosomal dominant hypocalcemia 1 (HYPOC1). Also called: HYPOCALCEMIA, FAMILIAL. Identifiers: MedGen C3715128, MONDO:0011013, OMIM 601198.
Familial hypocalciuric hypercalcemia (FHH). Also called: Familial benign hypercalcemia. Identifiers: Orphanet 405, MedGen C1809471, MONDO:0018458.

Allele frequency attached by ClinVar (database versions not stated): gnomAD 0.00001; gnomAD exomes 0.00001; TOPMed 0.00001; ExAC 0.00002; 1000 Genomes Project 0.00020; 1000 Genomes Project 30x 0.00031.
gnomAD v4.1: 22 of 1,614,038 alleles (0.0014%); highest among the groups gnomAD compares: Middle Eastern, 0.016%; no homozygotes.

Submissions (2):

Labcorp Genetics (formerly Invitae), Labcorp
Classification: Likely benign for Familial hypocalciuric hypercalcemia; Autosomal dominant hypocalcemia 1. Last evaluated: 2025-11-24. Review status: criteria provided, single submitter. Criteria: Invitae Variant Classification Sherloc (09022015). Collection method: clinical testing. Allele origin: germline.

GeneDx
Classification: Uncertain significance. Last evaluated: 2020-06-12. Review status: criteria provided, single submitter. Criteria: GeneDx Variant Classification Process June 2021. Collection method: clinical testing. Allele origin: germline. Affected: yes.
Comment: Not observed at a significant frequency in large population cohorts (Lek 2016); In silico analysis supports that this missense variant does not alter protein structure/function; Has not been previously published as pathogenic or benign to our knowledge

NM_000388.4(CASR):c.2672G>A (p.Arg891His)

Gene: CASR (calcium sensing receptor; plus strand). Cytogenetic location: 3q21.1.
Variant type: single nucleotide variant.
Coding change: c.2672G>A on transcript NM_000388.4 (MANE Select); coding-DNA position 2672, G replaced by A.
Protein change: p.Arg891His; replaces arginine 891 with histidine.
Molecular consequence: missense variant.
Genome position (GRCh38, 1-based): chr3:122,284,626, G>A. VCF-style: chr3-122284626-G-A. GRCh37 (hg19) VCF-style: chr3-122003473-G-A.
Other names: c.2702G>A, p.Arg901His (NM_001178065.2); short protein forms R891H, R901H.
Identifiers: ClinVar variation 410350 (VCV000410350.10), dbSNP rs533567836, ClinGen allele CA2569843.